The following is an entry in ClinVar:

NM_001853.4(COL9A3):c.287C>A (p.Pro96His)

Gene: COL9A3 (collagen type IX alpha 3 chain; plus strand). Cytogenetic location: 20q13.33.
Variant type: single nucleotide variant.
Coding change: c.287C>A on transcript NM_001853.4 (MANE Select); coding-DNA position 287, C replaced by A.
Protein change: p.Pro96His; replaces proline 96 with histidine.
Molecular consequence: missense variant.
Genome position (GRCh38, 1-based): chr20:62,819,960, C>A. VCF-style: chr20-62819960-C-A. GRCh37 (hg19) VCF-style: chr20-61451312-C-A.
Other names: short protein forms P96H.
Identifiers: ClinVar variation 2413041 (VCV002413041.5), dbSNP rs749124910, ClinGen allele CA9949133.
Genomic context (GRCh38, chr20:62,819,960, plus strand): 5'-CCTCGAGCTCGCCCTCTGCCTCTCCCCAGGGTCTGACTGGACGAGATGGACCCCCTGGAC[C>A]CAAGGGTGCCCCTGGGGAACGGGTAAGTGCCTGCGCCGAACCCAGTGGCTTGGGTTCAGA-3'
Protein context (NP_001844.3, residues 86-106): GLTGRDGPPG[Pro96His]KGAPGERGSL

ClinVar aggregate classification (germline): Uncertain significance. Review status: criteria provided, multiple submitters, no conflicts (2 of 4 stars). 3 submissions from 3 submitters: Uncertain significance (3). Last evaluated 2025-06-24.

Conditions:
Inborn genetic diseases. Identifiers: MedGen C0950123, MeSH D030342.

Submissions (3):

Labcorp Genetics (formerly Invitae), Labcorp
Classification: Uncertain significance. Last evaluated: 2025-06-24. Review status: criteria provided, single submitter. Criteria: Invitae Variant Classification Sherloc (09022015). Collection method: clinical testing. Allele origin: germline.
Comment: This sequence change replaces proline, which is neutral and non-polar, with histidine, which is basic and polar, at codon 96 of the COL9A3 protein (p.Pro96His). This variant is present in population databases (rs749124910, gnomAD 0.01%). This variant has not been reported in the literature in individuals affected with COL9A3-related conditions. ClinVar contains an entry for this variant (Variation ID: 2413041). Invitae Evidence Modeling of protein sequence and biophysical properties (such as structural, functional, and spatial information, amino acid conservation, physicochemical variation, residue mobility, and thermodynamic stability) indicates that this missense variant is not expected to disrupt COL9A3 protein function with a negative predictive value of 95%. In summary, the available evidence is currently insufficient to determine the role of this variant in disease. Therefore, it has been classified as a Variant of Uncertain Significance.

Ambry Genetics
Classification: Uncertain significance for Inborn genetic diseases. Last evaluated: 2023-12-18. Review status: criteria provided, single submitter. Criteria: Ambry Variant Classification Scheme 2023. Collection method: clinical testing. Allele origin: germline.

GeneDx
Classification: Uncertain significance. Last evaluated: 2022-07-27. Review status: criteria provided, single submitter. Criteria: GeneDx Variant Classification Process June 2021. Collection method: clinical testing. Allele origin: germline. Affected: yes.
Comment: Not observed at significant frequency in large population cohorts (gnomAD); In silico analysis supports that this missense variant has a deleterious effect on protein structure/function; Has not been previously published as pathogenic or benign to our knowledge